The following is an entry in ClinVar:

NM_001002295.2(GATA3):c.812C>T (p.Ser271Leu)

Gene: GATA3 (GATA binding protein 3; plus strand). Cytogenetic location: 10p14.
Variant type: single nucleotide variant.
Coding change: c.812C>T on transcript NM_001002295.2 (MANE Select); coding-DNA position 812, C replaced by T.
Protein change: p.Ser271Leu; replaces serine 271 with leucine.
Molecular consequence: missense variant.
Genome position (GRCh38, 1-based): chr10:8,064,026, C>T. VCF-style: chr10-8064026-C-T. GRCh37 (hg19) VCF-style: chr10-8105989-C-T.
Other names: c.809C>T, p.Ser270Leu (NM_002051.3); short protein forms S270L, S271L.
Identifiers: ClinVar variation 3657894 (VCV003657894.5).
Genomic context (GRCh38, chr10:8,064,026, plus strand): 5'-GTGGCTTATCTGTGCTTTTGTTTCCAGAAGGCAGGGAGTGTGTGAACTGTGGGGCAACCT[C>T]GACCCCACTGTGGCGGCGAGATGGCACGGGACACTACCTGTGCAACGCCTGCGGGCTCTA-3'
Protein context (NP_001002295.1, residues 261-281): GRECVNCGAT[Ser271Leu]TPLWRRDGTG

ClinVar aggregate classification (germline): Conflicting classifications of pathogenicity. Review status: criteria provided, conflicting classifications (1 of 4 stars). 4 submissions from 4 submitters: Pathogenic (1); Likely pathogenic (1); Uncertain significance (2). Last evaluated 2026-08-01.

Conditions:
Hypoparathyroidism, deafness, renal disease syndrome (HDRS). Also called: HYPOPARATHYROIDISM, SENSORINEURAL DEAFNESS, AND RENAL DYSPLASIA SYNDROME. Identifiers: Orphanet 2237, MedGen C1840333, MONDO:0007797, OMIM 146255.

Submissions (4):

CeGaT Center for Human Genetics Tuebingen
Classification: Likely pathogenic. Last evaluated: 2026-08-01. Review status: criteria provided, single submitter. Criteria: CeGaT Center For Human Genetics Tuebingen Variant Classification Criteria Version 2. Collection method: clinical testing. Allele origin: germline. Affected: yes. Observed: 2 variant alleles.
Comment: GATA3: PM2, PS2:Moderate, PS4:Moderate, PP2, PP3, PS3:Supporting

Genetics Department, Hospital Ramon y Cajal-IRYCIS
Classification: Pathogenic for Hypoparathyroidism, deafness, renal disease syndrome. Last evaluated: 2025-05-14. Review status: criteria provided, single submitter. Criteria: ClinGen HL ACMG Specifications v1. Collection method: research. Allele origin: de novo. Inheritance: Sporadic. Affected: yes. Observed: 2 variant alleles, 2 heterozygotes.
Comment: PS2 (moderate) - De novo in two brothers: 2 points PS3 (moderate) - Validated functional studies show a deleterious effect: 2 points PS4 (supporting) - Autosomal dominant, ≥2 probands with variant, and variant meets PM2: 1 point PM1 (supporting) - Mutational hot spot: 1 point PM2 (moderate) - Absent from databases: 2 points PP1 (supporting) - Segregation in two affected relatives: 1 point PP3 (supporting) - REVEL score ≥0.7 (0.863): 1 point TOTAL: 10 points, Pathogenic

Labcorp Genetics (formerly Invitae), Labcorp
Classification: Uncertain significance. Last evaluated: 2024-06-26. Review status: criteria provided, single submitter. Criteria: Invitae Variant Classification Sherloc (09022015). Collection method: clinical testing. Allele origin: germline.
Comment: This sequence change replaces serine, which is neutral and polar, with leucine, which is neutral and non-polar, at codon 271 of the GATA3 protein (p.Ser271Leu). This variant is not present in population databases (gnomAD no frequency). This variant has not been reported in the literature in individuals affected with GATA3-related conditions. Advanced modeling of protein sequence and biophysical properties (such as structural, functional, and spatial information, amino acid conservation, physicochemical variation, residue mobility, and thermodynamic stability) has been performed at Invitae for this missense variant, however the output from this modeling did not meet the statistical confidence thresholds required to predict the impact of this variant on GATA3 protein function. In summary, the available evidence is currently insufficient to determine the role of this variant in disease. Therefore, it has been classified as a Variant of Uncertain Significance.

Blueprint Genetics
Classification: Uncertain significance. Last evaluated: 2022-02-11. Review status: criteria provided, single submitter. Criteria: ACMG Guidelines, 2015. Collection method: clinical testing. Allele origin: germline.

Literature cited by the submitters: DOI 10.1002/humu.23630 (cited by Genetics Department, Hospital Ramon y Cajal-IRYCIS).